The following is an entry in ClinVar:

ClinVar aggregate classification (germline): Likely pathogenic (1 of 4 stars; one submission).

Conditions:
Cardioencephalomyopathy, fatal infantile, due to cytochrome c oxidase deficiency 2 (MC4DN6). Also called: MITOCHONDRIAL COMPLEX IV DEFICIENCY, NUCLEAR TYPE 6. Identifiers: Orphanet 1561, MedGen C3554534, MONDO:0014051, OMIM 615119.

Submission:

Diagnostics Services (NGS), CSIR - Centre For Cellular And Molecular Biology
Classification: Likely pathogenic for Cardioencephalomyopathy, fatal infantile, due to cytochrome c oxidase deficiency 2. Last evaluated: 2025-09-29. Review status: criteria provided, single submitter. Criteria: ACMG Guidelines, 2015. Collection method: clinical testing. Allele origin: germline. Affected: yes. Observed: 1 variant allele, 1 heterozygote.
Comment: The c.834_845delinsT variant is not present in publicly available population databases like 1000 Genomes, EVS, gnomAD, Indian Exome Database or our internal database. This variant has neither been published in the literature for COX15-related conditions nor reported to clinical databases like Human Genome Mutation database (HGMD), OMIM, or ClinVar in any affected individuals. In-silico pathogenicity prediction programs like MutationTaster2, CADD, Franklin, Varsome etc predicted this variant to be likely deleterious however these predictions were not confirmed by published functional studies. This variant causes frameshift at the 279th amino acid position of the wild-type transcript which creates a premature translational stop signal at the altered transcript that may either result in translation of a truncated protein or cause nonsense mediated decay of the mRNA.

NM_078470.6(COX15):c.834_845delinsT (p.Ala279fs)

Gene: COX15 (cytochrome c oxidase assembly factor COX15; minus strand). Cytogenetic location: 10q24.2.
Variant type: Indel.
Coding change: c.834_845delinsT on transcript NM_078470.6 (MANE Select); coding-DNA positions 834 to 845, GGCTTTTGTGGC replaced by T.
Protein change: p.Ala279fs; shifts the reading frame from alanine 279.
Molecular consequence: frameshift variant. On other transcripts: intron variant (2).
Genome position (GRCh38, 1-based): chr10:99,718,488-99,718,499, GCCACAAAAGCC replaced by A on the plus strand (GGCTTTTGTGGC replaced by T on the coding strand, the reverse complement: COX15 is on the minus strand). VCF-style: chr10-99718488-GCCACAAAAGCC-A. GRCh37 (hg19) VCF-style: chr10-101478245-GCCACAAAAGCC-A.
Other names: c.834_845delinsT, p.Ala279fs (NM_001320974.2, NM_001372024.1, NM_001372025.1 and 2 more transcripts); c.297_308delinsT, p.Ala100fs (NM_001320976.2); c.807_818delinsT, p.Ala270fs (NM_001372026.1); c.833-2038_833-2027delinsT (NM_001372028.1, NM_001320975.2); short protein forms A100fs, A270fs, A279fs.
Identifiers: ClinVar variation 4279626 (VCV004279626.1).
Genomic context (GRCh38, chr10:99,718,488, plus strand): 5'-GGGATCCAGGATTCTCCCATTTTGGGAAAGGAGTTATAAACAAGCCCAGCATCTAGCCCT[GCCACAAAAGCC>A]CCTGTATTCCAAGGTAAATGGTATTTATTAAAATGAGAGGAAGAAGAGACCAAATACTAG-3'